The following is an entry in ClinVar:

NM_000496.3(CRYBB2):c.463C>T (p.Gln155Ter)

Gene: CRYBB2 (crystallin beta B2; plus strand). Cytogenetic location: 22q11.23.
Variant type: single nucleotide variant.
Coding change: c.463C>T on transcript NM_000496.3 (MANE Select); coding-DNA position 463, C replaced by T.
Protein change: p.Gln155Ter; replaces glutamine 155 with a stop codon.
Molecular consequence: nonsense.
Genome position (GRCh38, 1-based): chr22:25,231,617, C>T. VCF-style: chr22-25231617-C-T. GRCh37 (hg19) VCF-style: chr22-25627584-C-T.
Other names: short protein forms Q155*.
Identifiers: ClinVar variation 16949 (VCV000016949.15), dbSNP rs74315489, ClinGen allele CA214967.

ClinVar aggregate classification (germline): Pathogenic/Likely pathogenic. Review status: criteria provided, multiple submitters, no conflicts (2 of 4 stars). 9 submissions from 9 submitters: Pathogenic (6); Likely pathogenic (1). 2 of the submissions do not count toward it. Last evaluated 2026-08-17.

Conditions:
CRYBB2-related disorder. Also called: CRYBB2-related condition.
Cataract 3 multiple types. Also called: CATARACT 3, MULTIPLE TYPES, WITH OR WITHOUT MICROCORNEA. Identifiers: Orphanet 1377, MedGen C1832175, MONDO:0011104, OMIM 601547.
Developmental cataract. Also called: Congenital cataracts; Congenital cataract; Bilateral cataracts. Identifiers: MedGen C0009691, HP:0000519.

Allele frequency attached by ClinVar (database versions not stated): gnomAD exomes 0.00001; 1000 Genomes Project 30x 0.00016.

Submissions (9):

Institute of Human Genetics, University of Leipzig Medical Center
Classification: Likely pathogenic for Cataract 3 multiple types. Last evaluated: 2026-08-17. Review status: criteria provided, single submitter. Criteria: ACMG Guidelines, 2015. Collection method: clinical testing. Allele origin: unknown. Inheritance: Autosomal dominant inheritance. Affected: yes.
Comment: Criteria applied: PS4,PP1_STR,PS2_SUP

PreventionGenetics, part of Exact Sciences
Classification: Pathogenic for CRYBB2-related condition. Last evaluated: 2026-04-08. Review status: criteria provided, single submitter. Criteria: ACMG Guidelines, 2015. Collection method: clinical testing. Allele origin: germline.
Comment: The CRYBB2 c.463C>T variant is predicted to result in premature protein termination (p.Gln155*). This variant has been reported as segregating with autosomal dominant cerulean cataract in multiple families (Litt et al. 1997. PubMed ID: 9158139; Messina-Baas et al. 2016. PubMed ID: 27385965; Javadiyan et al. 2017. PubMed ID: 28839118; Ching et al. 2018. PubMed ID: 29395391; Zhang et al. 2018. PubMed ID: 30078984). There is evidence in the literature supporting that this variant arose from a gene conversion event between the CRYBB2 gene and its pseudogene, CRYBB2P1 (Vanita et al. 2001. PubMed ID: 11424921; Bateman et al. 2007. PubMed ID: 17234267). This variant is absent in a large population database (gnomAD), indicating this variant is rare. Nonsense variants in CRYBB2 are an established mechanism of disease. This variant is interpreted as pathogenic.

Labcorp Genetics (formerly Invitae), Labcorp
Classification: Pathogenic for Cataract 3 multiple types. Last evaluated: 2024-11-30. Review status: criteria provided, single submitter. Criteria: Invitae Variant Classification Sherloc (09022015). Collection method: clinical testing. Allele origin: germline.
Comment: This sequence change creates a premature translational stop signal (p.Gln155*) in the CRYBB2 gene. While this is not anticipated to result in nonsense mediated decay, it is expected to disrupt the last 51 amino acid(s) of the CRYBB2 protein. This variant is not present in population databases (gnomAD no frequency). This premature translational stop signal has been observed in individuals with autosomal dominant congenital cataract (PMID: 9158139, 27385965, 29395391). It has also been observed to segregate with disease in related individuals. ClinVar contains an entry for this variant (Variation ID: 16949). For these reasons, this variant has been classified as Pathogenic.

Blueprint Genetics
Classification: Pathogenic for CRYBB2-related disorders. Last evaluated: 2023-10-09. Review status: criteria provided, single submitter. Criteria: ACMG Guidelines, 2015. Collection method: clinical testing. Allele origin: germline. Affected: yes. Observed: 3 variant alleles.

GeneDx
Classification: Pathogenic. Last evaluated: 2022-12-29. Review status: criteria provided, single submitter. Criteria: GeneDx Variant Classification Process June 2021. Collection method: clinical testing. Allele origin: germline. Affected: yes.
Comment: Published functional studies demonstrate a damaging effect: reduced protein-protein interaction (Liu et al., 2005); Nonsense variant predicted to result in protein truncation, as the last 51 amino acids are lost, and other loss-of-function variants have been reported downstream in HGMD; Not observed at significant frequency in large population cohorts (gnomAD); This variant is associated with the following publications: (PMID: 11424921, 16179907, 28839118, 21245961, 9158139, 8812489, 17234267, 2240043, 10634616, 15889016, 24319337, 18449377, 28025620, 22846113, 19321936, 29395391, 27385965, 29652984, 30078984)

3billion
Classification: Pathogenic for Cataract 3 multiple types. Last evaluated: 2022-05-22. Review status: criteria provided, single submitter. Criteria: ACMG Guidelines, 2015. Collection method: clinical testing. Allele origin: germline. Affected: yes. Observed: 1 heterozygote.
Comment: The variant is not observed in the gnomAD v2.1.1 dataset. Stop-gained (nonsense): predicted to result in a loss or disruption of normal protein function through protein truncation. The predicted truncated protein may be shortened by more than 10%. Functional studies provide moderate evidence of the variant having a damaging effect on the gene or gene product (PMID: 15889016). The variant has been reported to co-segregate with the disease in at least 7 similarly affected relatives/individuals in at least two unrelated families (PMID: 11424921, 17234267). The variant has been reported to be associated with CRYBB2 related disorder (ClinVar ID: VCV000016949 / PMID: 9158139). Therefore, this variant is classified as pathogenic according to the recommendation of ACMG/AMP guideline.

Juno Genomics, Hangzhou Juno Genomics, Inc
Classification: Pathogenic for Cataract 3 multiple types. Review status: criteria provided, single submitter. Criteria: ACMG Guidelines, 2015. Collection method: clinical testing. Allele origin: germline. Affected: yes.
Comment: Absent from controls (or at extremely low frequency if recessive) in Genome Aggregation Database.;The prevalence of the variant in affected individuals is significantly increased compared to the prevalence in controls.;Co-segregation with disease in multiple affected family members.;Patient's phenotype or family history is highly specific for a disease with a single genetic etiology.;Well-established in vitro or in vivo functional studies supportive of a damaging effect on the gene or gene product.

Department of Ophthalmology, Flinders University
Classification: Likely pathogenic for Developmental cataract. Last evaluated: 2016-07-29. Review status: no assertion criteria provided. Collection method: clinical testing. Allele origin: inherited. Affected: yes. Not counted in ClinVar's aggregate classification.

OMIM
Classification: Pathogenic for CATARACT 3, MULTIPLE TYPES. Last evaluated: 2007-03-01. Review status: no assertion criteria provided. Collection method: literature only. Allele origin: germline. Not counted in ClinVar's aggregate classification.

Literature cited by the submitters: PubMed 9158139 (cited by 3 submitters); PubMed 27385965 (cited by Labcorp Genetics (formerly Invitae), Labcorp); PubMed 29395391 (cited by Labcorp Genetics (formerly Invitae), Labcorp); PubMed 11424921 (cited by 3billion and OMIM); PubMed 15889016 (cited by 3billion); PubMed 17234267 (cited by 3billion and OMIM); PubMed 8812489 (cited by OMIM); PubMed 2240043 (cited by OMIM); PubMed 10634616 (cited by OMIM).